The following is an entry in ClinVar:

NM_000070.3(CAPN3):c.597G>T (p.Glu199Asp)

Gene: CAPN3 (calpain 3; plus strand). Cytogenetic location: 15q15.1.
Variant type: single nucleotide variant.
Coding change: c.597G>T on transcript NM_000070.3 (MANE Select); coding-DNA position 597, G replaced by T.
Protein change: p.Glu199Asp; replaces glutamic acid 199 with aspartic acid.
Molecular consequence: missense variant.
Genome position (GRCh38, 1-based): chr15:42,387,851, G>T. VCF-style: chr15-42387851-G-T. GRCh37 (hg19) VCF-style: chr15-42680049-G-T.
Other names: c.597G>T, p.Glu199Asp (NM_024344.2, NM_173087.2); short protein forms E199D.
Identifiers: ClinVar variation 3717744 (VCV003717744.2).
Genomic context (GRCh38, chr15:42,387,851, plus strand): 5'-TGACTGCCTGCCAACGTACAACAATCAACTGGTTTTCACCAAGTCCAACCACCGCAATGA[G>T]TTCTGGAGTGCTCTGCTGGAGAAGGCTTATGCTAAGTAAGCAACACTTTAGAATGTGAGG-3'
Protein context (NP_000061.1, residues 189-209): LVFTKSNHRN[Glu199Asp]FWSALLEKAY

ClinVar aggregate classification (germline): Uncertain significance (1 of 4 stars; one submission).

Conditions:
Autosomal recessive limb-girdle muscular dystrophy type 2A (LGMDR1). Also called: MUSCULAR DYSTROPHY, PELVOFEMORAL; Muscular dystrophy, limb-girdle, type 2A, Amish; Limb-girdle muscular dystrophy, type 2A; LEYDEN-MOEBIUS MUSCULAR DYSTROPHY; Calpainopathy. Identifiers: Orphanet 267, MedGen C1869123, MONDO:0009675, OMIM 253600. Disease mechanism: loss of function.

Submission:

Labcorp Genetics (formerly Invitae), Labcorp
Classification: Uncertain significance for Autosomal recessive limb-girdle muscular dystrophy type 2A. Last evaluated: 2024-11-11. Review status: criteria provided, single submitter. Criteria: Invitae Variant Classification Sherloc (09022015). Collection method: clinical testing. Allele origin: germline.
Comment: This sequence change replaces glutamic acid, which is acidic and polar, with aspartic acid, which is acidic and polar, at codon 199 of the CAPN3 protein (p.Glu199Asp). This variant is not present in population databases (gnomAD no frequency). This variant has not been reported in the literature in individuals affected with CAPN3-related conditions. Invitae Evidence Modeling of protein sequence and biophysical properties (such as structural, functional, and spatial information, amino acid conservation, physicochemical variation, residue mobility, and thermodynamic stability) indicates that this missense variant is expected to disrupt CAPN3 protein function with a positive predictive value of 80%. In summary, the available evidence is currently insufficient to determine the role of this variant in disease. Therefore, it has been classified as a Variant of Uncertain Significance.